The following is an entry in ClinVar:

ClinVar aggregate classification (germline): Likely benign (1 of 4 stars; one submission).

Submission:

GeneDx
Classification: Likely benign. Last evaluated: 2014-01-12. Review status: criteria provided, single submitter. Criteria: GeneDx Variant Classification (06012015). Collection method: clinical testing. Allele origin: germline. Affected: yes.
Comment: This variant is considered likely benign or benign based on one or more of the following criteria: it is a conservative change, it occurs at a poorly conserved position in the protein, it is predicted to be benign by multiple in silico algorithms, and/or has population frequency not consistent with disease.

NM_002474.3(MYH11):c.791-13C>G

Gene: MYH11 (myosin heavy chain 11; minus strand). Cytogenetic location: 16p13.11.
Variant type: single nucleotide variant.
Coding change: c.791-13C>G on transcript NM_002474.3 (MANE Select); 13 bases into the intron before coding-DNA position 791, C replaced by G.
Molecular consequence: intron variant.
Genome position (GRCh38, 1-based): chr16:15,776,189, G>C on the plus strand (C>G on the coding strand, the complement: MYH11 is on the minus strand). VCF-style: chr16-15776189-G-C. GRCh37 (hg19) VCF-style: chr16-15870046-G-C.
Other names: c.791-13C>G (NM_022844.3); c.812-13C>G (NM_001040114.2, NM_001040113.2).
Identifiers: ClinVar variation 201047 (VCV000201047.1), dbSNP rs794728665, ClinGen allele CA306489.